The following is an entry in ClinVar:

NM_198253.3(TERT):c.2773C>T (p.His925Tyr)

Gene: TERT (telomerase reverse transcriptase; minus strand). Cytogenetic location: 5p15.33.
Variant type: single nucleotide variant.
Coding change: c.2773C>T on transcript NM_198253.3 (MANE Select); coding-DNA position 2773, C replaced by T.
Protein change: p.His925Tyr; replaces histidine 925 with tyrosine.
Molecular consequence: missense variant. On other transcripts: intron variant (1).
Genome position (GRCh38, 1-based): chr5:1,264,474, G>A on the plus strand (C>T on the coding strand, the complement: TERT is on the minus strand). VCF-style: chr5-1264474-G-A. GRCh37 (hg19) VCF-style: chr5-1264589-G-A.
Other names: c.2654+1990C>T (NM_001193376.3); short protein forms H925Y.
Identifiers: ClinVar variation 963451 (VCV000963451.11), dbSNP rs1748455013, ClinGen allele CA359071747.

ClinVar aggregate classification (germline): Uncertain significance. Review status: criteria provided, multiple submitters, no conflicts (2 of 4 stars). 2 submissions from 2 submitters: Uncertain significance (2). Last evaluated 2025-12-28.

Conditions:
Idiopathic Pulmonary Fibrosis. Also called: Idiopathic fibrosing alveolitis, chronic form; idiopathic fibrosing alveolitis. Identifiers: Orphanet 2032, MedGen C1800706, MeSH D054990, MONDO:0800504.
Dyskeratosis congenita, autosomal dominant 2. Identifiers: MedGen C3151443, MONDO:0013521, OMIM 613989.
Dyskeratosis congenita. Identifiers: Orphanet 1775, MedGen C0265965, MONDO:0015780.

Allele frequency attached by ClinVar (database versions not stated): TOPMed below 0.00001.

Submissions (2):

Ambry Genetics
Classification: Uncertain significance for Dyskeratosis congenita. Last evaluated: 2025-12-28. Review status: criteria provided, single submitter. Criteria: Ambry Variant Classification Scheme 2023. Collection method: clinical testing. Allele origin: germline.
Comment: The p.H925Y variant (also known as c.2773C>T), located in coding exon 11 of the TERT gene, results from a C to T substitution at nucleotide position 2773. The histidine at codon 925 is replaced by tyrosine, an amino acid with similar properties. This amino acid position is conserved. In addition, the in silico prediction for this alteration is inconclusive. Based on the available evidence, the clinical significance of this variant remains unclear.

Labcorp Genetics (formerly Invitae), Labcorp
Classification: Uncertain significance for Dyskeratosis congenita, autosomal dominant 2; Idiopathic Pulmonary Fibrosis. Last evaluated: 2022-08-25. Review status: criteria provided, single submitter. Criteria: Invitae Variant Classification Sherloc (09022015). Collection method: clinical testing. Allele origin: germline.
Comment: In summary, the available evidence is currently insufficient to determine the role of this variant in disease. Therefore, it has been classified as a Variant of Uncertain Significance. Advanced modeling of protein sequence and biophysical properties (such as structural, functional, and spatial information, amino acid conservation, physicochemical variation, residue mobility, and thermodynamic stability) performed at Invitae indicates that this missense variant is expected to disrupt TERT protein function. ClinVar contains an entry for this variant (Variation ID: 963451). This variant has not been reported in the literature in individuals affected with TERT-related conditions. This variant is not present in population databases (gnomAD no frequency). This sequence change replaces histidine, which is basic and polar, with tyrosine, which is neutral and polar, at codon 925 of the TERT protein (p.His925Tyr).